The following is an entry in ClinVar:

ClinVar aggregate classification (germline): Uncertain significance (1 of 4 stars; one submission).

Conditions:
Rubinstein-Taybi syndrome (RSTS). Identifiers: Orphanet 783, MedGen C0035934, MONDO:0019188.

gnomAD v4.1: 2 of 1,528,692 alleles (0.00013%); highest among the groups gnomAD compares: Non-Finnish European, 0.000087%; no homozygotes.

Submission:

Labcorp Genetics (formerly Invitae), Labcorp
Classification: Uncertain significance for Rubinstein-Taybi syndrome. Last evaluated: 2023-05-23. Review status: criteria provided, single submitter. Criteria: Invitae Variant Classification Sherloc (09022015). Collection method: clinical testing. Allele origin: germline.
Comment: This variant has not been reported in the literature in individuals affected with CREBBP-related conditions. In summary, the available evidence is currently insufficient to determine the role of this variant in disease. Therefore, it has been classified as a Variant of Uncertain Significance. Advanced modeling of protein sequence and biophysical properties (such as structural, functional, and spatial information, amino acid conservation, physicochemical variation, residue mobility, and thermodynamic stability) performed at Invitae indicates that this missense variant is not expected to disrupt CREBBP protein function. This variant is not present in population databases (gnomAD no frequency). This sequence change replaces proline, which is neutral and non-polar, with glutamine, which is neutral and polar, at codon 1943 of the CREBBP protein (p.Pro1943Gln).

NM_004380.3(CREBBP):c.5828C>A (p.Pro1943Gln)

Gene: CREBBP (CREB binding lysine acetyltransferase; minus strand). Cytogenetic location: 16p13.3.
Variant type: single nucleotide variant.
Coding change: c.5828C>A on transcript NM_004380.3 (MANE Select); coding-DNA position 5828, C replaced by A.
Protein change: p.Pro1943Gln; replaces proline 1943 with glutamine.
Molecular consequence: missense variant.
Genome position (GRCh38, 1-based): chr16:3,729,219, G>T on the plus strand (C>A on the coding strand, the complement: CREBBP is on the minus strand). VCF-style: chr16-3729219-G-T. GRCh37 (hg19) VCF-style: chr16-3779220-G-T.
Other names: c.5714C>A, p.Pro1905Gln (NM_001079846.1); short protein forms P1943Q, P1905Q.
Identifiers: ClinVar variation 2844751 (VCV002844751.3), dbSNP rs780545388, ClinGen allele CA394555331.